The following is an entry in ClinVar:

NM_017934.7(PHIP):c.4846G>T (p.Ala1616Ser)

Genes: IRAK1BP1 (interleukin 1 receptor associated kinase 1 binding protein 1; plus strand), PHIP (PHIP subunit of CUL4-Ring ligase complex; minus strand). Cytogenetic location: 6q14.1.
Variant type: single nucleotide variant.
Coding change: c.4846G>T on transcript NM_017934.7 (MANE Select); coding-DNA position 4846, G replaced by T.
Protein change: p.Ala1616Ser; replaces alanine 1616 with serine.
Molecular consequence: missense variant.
Genome position (GRCh38, 1-based): chr6:78,941,313, C>A on the plus strand (G>T on the coding strand, the complement: PHIP is on the minus strand). VCF-style: chr6-78941313-C-A. GRCh37 (hg19) VCF-style: chr6-79651030-C-A.
Other names: short protein forms A1616S.
Identifiers: ClinVar variation 2656712 (VCV002656712.24), dbSNP rs776162259, ClinGen allele CA364633835.

ClinVar aggregate classification (germline): Uncertain significance (1 of 4 stars; one submission).

Submission:

CeGaT Center for Human Genetics Tuebingen
Classification: Uncertain significance. Last evaluated: 2022-06-01. Review status: criteria provided, single submitter. Criteria: CeGaT Center For Human Genetics Tuebingen Variant Classification Criteria Version 2. Collection method: clinical testing. Allele origin: germline. Affected: yes. Observed: 1 variant allele.
Comment: PHIP: PM2, PP2, BP4